The following is an entry in ClinVar:

ClinVar aggregate classification (germline): Conflicting classifications of pathogenicity. Review status: criteria provided, conflicting classifications (1 of 4 stars). 2 submissions from 2 submitters: Uncertain significance (1); Likely benign (1). Last evaluated 2026-08-01.

Conditions:
Kabuki syndrome. Also called: NIIKAWA-KUROKI SYNDROME; Kabuki make-up syndrome. Identifiers: Orphanet 2322, MedGen C0796004, MONDO:0016512.

Submissions (2):

CeGaT Center for Human Genetics Tuebingen
Classification: Likely benign. Last evaluated: 2026-08-01. Review status: criteria provided, single submitter. Criteria: CeGaT Center For Human Genetics Tuebingen Variant Classification Criteria Version 2. Collection method: clinical testing. Allele origin: germline. Affected: yes. Observed: 1 variant allele.
Comment: KMT2D: PM4:Supporting, BS2

Labcorp Genetics (formerly Invitae), Labcorp
Classification: Uncertain significance for Kabuki syndrome. Last evaluated: 2026-01-31. Review status: criteria provided, single submitter. Criteria: Invitae Variant Classification Sherloc (09022015). Collection method: clinical testing. Allele origin: germline.
Comment: This variant, c.1887_1889del, results in the deletion of 1 amino acid(s) of the KMT2D protein (p.Pro630del), but otherwise preserves the integrity of the reading frame. This variant is present in population databases (rs767576581, gnomAD 0.01%). This variant has not been reported in the literature in individuals affected with KMT2D-related conditions. This variant has been observed in at least one individual who was not affected with KMT2D-related conditions (internal data). Experimental studies and prediction algorithms are not available or were not evaluated, and the functional significance of this variant is currently unknown. In summary, the available evidence is currently insufficient to determine the role of this variant in disease. Therefore, it has been classified as a Variant of Uncertain Significance.

NM_003482.4(KMT2D):c.1884ACC[1] (p.Pro630del)

Gene: KMT2D (lysine methyltransferase 2D; minus strand). Cytogenetic location: 12q13.12.
Variant type: Microsatellite.
Coding change: c.1884ACC[1] on transcript NM_003482.4 (MANE Select); one copy of the 3-base unit ACC starting at c.1884; the reference has two copies in a row; one copy, 3 bases deleted.
Protein change: p.Pro630del; deletes proline 630.
Molecular consequence: inframe deletion.
Genome position (GRCh38, 1-based): chr12:49,051,794-49,051,796, GGT deleted on the plus strand (ACC on the coding strand, the reverse complement: KMT2D is on the minus strand); deleting any 3 consecutive bases within chr12:49,051,794-49,051,801 gives the same sequence; the position shown is the placement nearest the transcript's 3' end. VCF-style (leftmost placement, unchanged base first): chr12-49051793-AGGT-A. GRCh37 (hg19) VCF-style: chr12-49445576-AGGT-A.
Other names: short protein forms P630del.
Identifiers: ClinVar variation 2046142 (VCV002046142.5), dbSNP rs767576581, ClinGen allele CA6548408.